The following is an entry in ClinVar:

ClinVar aggregate classification (germline): Conflicting classifications of pathogenicity. Review status: criteria provided, conflicting classifications (1 of 4 stars). 6 submissions from 6 submitters: Uncertain significance (5); Likely benign (1). Last evaluated 2024-04-29.

Conditions:
Hereditary breast ovarian cancer syndrome. Also called: Hereditary breast and ovarian cancer; Hereditary breast and ovarian cancer syndrome (HBOC); Breast and ovarian cancer; Hereditary breast and ovarian cancer syndrome; BRCA1- and BRCA2-Associated Hereditary Breast and Ovarian Cancer; Hereditary breast and/or ovarian cancer syndrome. Identifiers: Orphanet 145, MedGen C0677776, MeSH D061325, MONDO:0003582. Disease mechanism: loss of function.
Hereditary cancer-predisposing syndrome. Also called: Tumor predisposition; Neoplastic Syndromes, Hereditary; Hereditary neoplastic syndrome; Hereditary Cancer Syndrome. Identifiers: Orphanet 140162, MedGen C0027672, MeSH D009386, MONDO:0015356.

Allele frequency attached by ClinVar (database versions not stated): gnomAD exomes below 0.00001; gnomAD 0.00001; TOPMed 0.00001.
gnomAD v4.1: 2 of 1,611,992 alleles (0.00012%); highest among the groups gnomAD compares: African/African-American, 0.0013%; no homozygotes.

Submissions (6):

Labcorp Genetics (formerly Invitae), Labcorp
Classification: Uncertain significance for Hereditary breast ovarian cancer syndrome. Last evaluated: 2024-04-29. Review status: criteria provided, single submitter. Criteria: Invitae Variant Classification Sherloc (09022015). Collection method: clinical testing. Allele origin: germline.
Comment: This sequence change replaces threonine, which is neutral and polar, with isoleucine, which is neutral and non-polar, at codon 2214 of the BRCA2 protein (p.Thr2214Ile). This variant is present in population databases (no rsID available, gnomAD 0.0009%). This missense change has been observed in individual(s) with pancreatic adenocarcinoma, breast cancer, and/or ovarian cancer (PMID: 27062684, 28767289, 34326862). ClinVar contains an entry for this variant (Variation ID: 633132). Advanced modeling of protein sequence and biophysical properties (such as structural, functional, and spatial information, amino acid conservation, physicochemical variation, residue mobility, and thermodynamic stability) performed at Invitae indicates that this missense variant is not expected to disrupt BRCA2 protein function with a negative predictive value of 95%. RNA analysis performed to evaluate the impact of this missense change on mRNA splicing indicates it does not significantly alter splicing (Invitae). In summary, the available evidence is currently insufficient to determine the role of this variant in disease. Therefore, it has been classified as a Variant of Uncertain Significance.

University of Washington Department of Laboratory Medicine, University of Washington
Classification: Likely benign for Hereditary cancer-predisposing syndrome. Last evaluated: 2023-03-23. Review status: criteria provided, single submitter. Criteria: Dines et al. (Genet Med. 2020). Collection method: curation. Allele origin: germline.
Comment: Missense variant in a coldspot region where missense variants are very unlikely to be pathogenic (PMID:31911673).

BRCA2 exon 11 coldspot. Reclassification based on statistical prior probability.

Color Diagnostics, LLC DBA Color Health
Classification: Uncertain significance for Hereditary cancer-predisposing syndrome. Last evaluated: 2023-01-03. Review status: criteria provided, single submitter. Criteria: ACMG Guidelines, 2015. Collection method: clinical testing. Allele origin: germline.
Comment: This missense variant replaces threonine with isoleucine at codon 2214 of the BRCA2 protein. Computational prediction suggests that this variant may not impact protein structure and function (internally defined REVEL score threshold <= 0.5, PMID: 27666373). To our knowledge, functional studies have not been reported for this variant. This variant has been reported in individuals affected with breast or ovarian cancer (PMID: 27062684, 32806537) and pancreatic adenocarcinoma (PMID: 28767289). This variant has been identified in 1/249382 chromosomes in the general population by the Genome Aggregation Database (gnomAD). The available evidence is insufficient to determine the role of this variant in disease conclusively. Therefore, this variant is classified as a Variant of Uncertain Significance.

Ambry Genetics
Classification: Uncertain significance for Hereditary cancer-predisposing syndrome. Last evaluated: 2022-07-29. Review status: criteria provided, single submitter. Criteria: Ambry Variant Classification Scheme 2023. Collection method: clinical testing. Allele origin: germline.
Comment: The p.T2214I variant (also known as c.6641C>T), located in coding exon 10 of the BRCA2 gene, results from a C to T substitution at nucleotide position 6641. The threonine at codon 2214 is replaced by isoleucine, an amino acid with similar properties. In a study of 1854 high-risk BR/OV cancer families in Italy, this alteration was detected in one family (Azzollini J et al. Eur. J. Intern. Med., 2016 Jul;32:65-71). In addition, this variant has been identified in a patient with pancreatic ductal adenocarcinoma (Shindo K et al. J. Clin. Oncol., 2017 Oct;35:3382-3390; Blair AB et al. J. Am. Coll. Surg., 2018 04;226:630-637.e1). This amino acid position is not well conserved in available vertebrate species. In addition, this alteration is predicted to be tolerated by in silico analysis. Since supporting evidence is limited at this time, the clinical significance of this alteration remains unclear.

Sema4
Classification: Uncertain significance for Hereditary cancer-predisposing syndrome. Last evaluated: 2022-01-26. Review status: criteria provided, single submitter. Criteria: Sema4 Curation Guidelines. Collection method: curation. Allele origin: germline.
Comment: The BRCA2 c.6641C>T (p.T2214I) variant has been reported in heterozygosity in 1 individual with pancreatic ductal adenocarcinoma (PMID:28767289) and in a family at high risk for developing breast and/or ovarian cancer (PMID: 27062684). This variant was observed in 1/113134 chromosomes in the European (non-Finnish) population, according to the Genome Aggregation Database (PMID: 32461654). This variant has been reported in ClinVar (Variation ID: 633132). Functional studies have not been performed, and in silico predictions of the variant's effect on protein function are inconclusive. The evidence is insufficient to meet ACMG/AMP criteria for classifying the variant as benign or pathogenic. Thus, the clinical significance of this variant is currently uncertain.

Women's Health and Genetics/Laboratory Corporation of America, LabCorp
Classification: Uncertain significance. Last evaluated: 2018-12-06. Review status: criteria provided, single submitter. Criteria: LabCorp Variant Classification Summary - May 2015. Collection method: clinical testing. Allele origin: germline.
Comment: Variant summary: The variant, BRCA2 c.6641C>T (p.Thr2214Ile) results in a non-conservative amino acid change in the encoded protein sequence. Four of five in-silico tools predict a benign effect of the variant on protein function. The variant allele was found at a frequency of 4.1e-06 in 244376 control chromosomes (gnomAD). The available data on variant occurrences in the general population are insufficient to allow any conclusion about variant significance. This variant has been reported in the literature in individuals affected with Hereditary Breast and Ovarian Cancer, including pancreatic cancer (Blair_2018, Azzollini _2016, Shindo _2017). These reports do not provide unequivocal conclusions about association of the variant with Hereditary Breast and Ovarian Cancer. To our knowledge, no experimental evidence demonstrating an impact on protein function has been reported. No clinical diagnostic laboratories have submitted clinical-significance assessments for this variant to ClinVar after 2014. Based on the evidence outlined above, the variant was classified as uncertain significance.

Literature cited by the submitters: PubMed 27062684 (cited by 4 submitters); PubMed 28767289 (cited by 5 submitters); PubMed 34326862 (cited by Labcorp Genetics (formerly Invitae), Labcorp); PubMed 32806537 (cited by Color Diagnostics, LLC DBA Color Health); PubMed 29309945 (cited by Ambry Genetics and Women's Health and Genetics/Laboratory Corporation of America, LabCorp).

NM_000059.4(BRCA2):c.6641C>T (p.Thr2214Ile)

Gene: BRCA2 (BRCA2 DNA repair associated; plus strand). Cytogenetic location: 13q13.1.
Variant type: single nucleotide variant.
Coding change: c.6641C>T on transcript NM_000059.4 (MANE Select); coding-DNA position 6641, C replaced by T.
Protein change: p.Thr2214Ile; replaces threonine 2214 with isoleucine.
Molecular consequence: missense variant.
Genome position (GRCh38, 1-based): chr13:32,340,996, C>T. VCF-style: chr13-32340996-C-T. GRCh37 (hg19) VCF-style: chr13-32915133-C-T.
Other names: short protein forms T2214I.
Identifiers: ClinVar variation 633132 (VCV000633132.19), dbSNP rs1566235063, ClinGen allele CA387790339.